The following is an entry in ClinVar:

ClinVar aggregate classification (germline): Uncertain significance (1 of 4 stars; one submission).

Submission:

Labcorp Genetics (formerly Invitae), Labcorp
Classification: Uncertain significance. Last evaluated: 2024-10-31. Review status: criteria provided, single submitter. Criteria: Invitae Variant Classification Sherloc (09022015). Collection method: clinical testing. Allele origin: germline.
Comment: This sequence change replaces threonine, which is neutral and polar, with proline, which is neutral and non-polar, at codon 1006 of the BRD4 protein (p.Thr1006Pro). This variant is not present in population databases (gnomAD no frequency). This variant has not been reported in the literature in individuals affected with BRD4-related conditions. An algorithm developed to predict the effect of missense changes on protein structure and function outputs the following: PolyPhen-2: "Benign". The proline amino acid residue is found in multiple mammalian species, which suggests that this missense change does not adversely affect protein function. Algorithms developed to predict the effect of sequence changes on RNA splicing suggest that this variant may create or strengthen a splice site. In summary, the available evidence is currently insufficient to determine the role of this variant in disease. Therefore, it has been classified as a Variant of Uncertain Significance.

NM_001379291.1(BRD4):c.3016A>C (p.Thr1006Pro)

Gene: BRD4 (bromodomain containing 4; minus strand). Cytogenetic location: 19p13.12.
Variant type: single nucleotide variant.
Coding change: c.3016A>C on transcript NM_001379291.1 (MANE Select); coding-DNA position 3016, A replaced by C.
Protein change: p.Thr1006Pro; replaces threonine 1006 with proline.
Molecular consequence: missense variant.
Genome position (GRCh38, 1-based): chr19:15,243,053, T>G on the plus strand (A>C on the coding strand, the complement: BRD4 is on the minus strand). VCF-style: chr19-15243053-T-G. GRCh37 (hg19) VCF-style: chr19-15353864-T-G.
Other names: c.3016A>C, p.Thr1006Pro (NM_058243.3); short protein forms T1006P.
Identifiers: ClinVar variation 3685152 (VCV003685152.2).